The following is an entry in ClinVar:

NM_001401501.2(MUC16):c.4992C>T (p.Asn1664=)

Gene: MUC16 (mucin 16, cell surface associated; minus strand). Cytogenetic location: 19p13.2.
Variant type: single nucleotide variant.
Coding change: c.4992C>T on transcript NM_001401501.2 (MANE Select); coding-DNA position 4992, C replaced by T.
Protein change: p.Asn1664=; no amino-acid change (asparagine 1664 retained).
Molecular consequence: synonymous variant.
Genome position (GRCh38, 1-based): chr19:8,976,267, G>A on the plus strand (C>T on the coding strand, the complement: MUC16 is on the minus strand). VCF-style: chr19-8976267-G-A. GRCh37 (hg19) VCF-style: chr19-9086943-G-A.
Other names: c.5418C>T, p.Asn1806= (NM_001414686.1); c.4872C>T, p.Asn1624= (NM_001414687.1, NM_024690.2).
Identifiers: ClinVar variation 3038761 (VCV003038761.2), dbSNP rs374465280, ClinGen allele CA9172736.

ClinVar aggregate classification (germline): Likely benign (0 of 4 stars; one submission).

Conditions:
MUC16-related disorder. Also called: MUC16-related condition.

Allele frequency attached by ClinVar (database versions not stated): gnomAD exomes 0.00009; ExAC 0.00031; ESP Exome Variant Server 0.00080; 1000 Genomes Project 30x 0.00109; gnomAD 0.00110; TOPMed 0.00114; 1000 Genomes Project 0.00120.

Submission:

PreventionGenetics, part of Exact Sciences
Classification: Likely benign for MUC16-related condition. Last evaluated: 2019-05-24. Review status: no assertion criteria provided. Collection method: clinical testing. Allele origin: germline.
Comment: This variant is classified as likely benign based on ACMG/AMP sequence variant interpretation guidelines (Richards et al. 2015 PMID: 25741868, with internal and published modifications).